The following is an entry in ClinVar:

ClinVar aggregate classification (germline): Uncertain significance (1 of 4 stars; one submission).

Conditions:
Inborn genetic diseases. Identifiers: MedGen C0950123, MeSH D030342.

Submission:

Ambry Genetics
Classification: Uncertain significance for Inborn genetic diseases. Last evaluated: 2026-05-14. Review status: criteria provided, single submitter. Criteria: Ambry Variant Classification Scheme 2023. Collection method: clinical testing. Allele origin: germline.
Comment: The p.T1271K variant (also known as c.3812C>A), located in coding exon 13 of the ASXL1 gene, results from a C to A substitution at nucleotide position 3812. The threonine at codon 1271 is replaced by lysine, an amino acid with similar properties. This amino acid position is conserved. In addition, this alteration is predicted to be tolerated by in silico analysis. Based on the available evidence, the clinical significance of this variant remains unclear.

NM_015338.6(ASXL1):c.3812C>A (p.Thr1271Lys)

Gene: ASXL1 (ASXL transcriptional regulator 1; plus strand). Cytogenetic location: 20q11.21.
Variant type: single nucleotide variant.
Coding change: c.3812C>A on transcript NM_015338.6 (MANE Select); coding-DNA position 3812, C replaced by A.
Protein change: p.Thr1271Lys; replaces threonine 1271 with lysine.
Molecular consequence: missense variant.
Genome position (GRCh38, 1-based): chr20:32,436,524, C>A. VCF-style: chr20-32436524-C-A. GRCh37 (hg19) VCF-style: chr20-31024327-C-A.
Other names: c.3629C>A, p.Thr1210Lys (NM_001363734.1); short protein forms T1210K, T1271K.
Identifiers: ClinVar variation 4864535 (VCV004864535.1).
Genomic context (GRCh38, chr20:32,436,524, plus strand): 5'-AGGACAGTAATTCAAATGCTGCTCCAGGAAAGAGCCCAGGAGATCTTACTACCTCGAGAA[C>A]ACCTCGTTTCTCATCTCCAAATGTGATCTCCTTTGGTCCAGAGCAGACAGGTCGGGCCCT-3'
Protein context (NP_056153.2, residues 1261-1281): KSPGDLTTSR[Thr1271Lys]PRFSSPNVIS